The following is an entry in ClinVar:

NM_058216.3(RAD51C):c.513C>A (p.Asp171Glu)

Gene: RAD51C (RAD51 paralog C; plus strand). Cytogenetic location: 17q22.
Variant type: single nucleotide variant.
Coding change: c.513C>A on transcript NM_058216.3 (MANE Select); coding-DNA position 513, C replaced by A.
Protein change: p.Asp171Glu; replaces aspartic acid 171 with glutamic acid.
Molecular consequence: missense variant.
Genome position (GRCh38, 1-based): chr17:58,696,801, C>A. VCF-style: chr17-58696801-C-A. GRCh37 (hg19) VCF-style: chr17-56774162-C-A.
Other names: short protein forms D171E.
Identifiers: ClinVar variation 659781 (VCV000659781.14), dbSNP rs140279158, ClinGen allele CA400345020.

ClinVar aggregate classification (germline): Conflicting classifications of pathogenicity. Review status: criteria provided, conflicting classifications (1 of 4 stars). 3 submissions from 3 submitters: Uncertain significance (2); Benign (1). Last evaluated 2025-10-28.

Conditions:
Hereditary cancer-predisposing syndrome. Also called: Neoplastic Syndromes, Hereditary; Hereditary neoplastic syndrome; Hereditary Cancer Syndrome; Tumor predisposition. Identifiers: Orphanet 140162, MedGen C0027672, MeSH D009386, MONDO:0015356.
Fanconi anemia complementation group O. Also called: RAD51C-Related Fanconi Anemia. Identifiers: Orphanet 84, MedGen C3150653, MONDO:0013248, OMIM 613390.

gnomAD v4.1: 1 of 1,614,122 alleles (0.000062%); highest among the groups gnomAD compares: South Asian, 0.0011%; no homozygotes.

Submissions (3):

Ambry Genetics
Classification: Benign for Hereditary cancer-predisposing syndrome. Last evaluated: 2025-10-28. Review status: criteria provided, single submitter. Criteria: Ambry Variant Classification Scheme 2023. Collection method: clinical testing. Allele origin: germline.

Color Diagnostics, LLC DBA Color Health
Classification: Uncertain significance for Hereditary cancer-predisposing syndrome. Last evaluated: 2024-03-07. Review status: criteria provided, single submitter. Criteria: ACMG Guidelines, 2015. Collection method: clinical testing. Allele origin: germline.
Comment: This missense variant replaces aspartic acid with glutamic acid at codon 171 of the RAD51C protein. Computational prediction tool suggests that this variant may not impact protein structure and function (internally defined REVEL score threshold <=0.5, PMID: 27666373). Splice site prediction tools suggest that this variant may not impact RNA splicing. To our knowledge, functional studies have not been performed for this variant. This variant has not been reported in individuals affected with hereditary cancer in the literature. This variant has not been identified in the general population by the Genome Aggregation Database (gnomAD). The available evidence is insufficient to determine the role of this variant in disease conclusively. Therefore, this variant is classified as a Variant of Uncertain Significance.

Labcorp Genetics (formerly Invitae), Labcorp
Classification: Uncertain significance for Fanconi anemia complementation group O. Last evaluated: 2023-07-14. Review status: criteria provided, single submitter. Criteria: Invitae Variant Classification Sherloc (09022015). Collection method: clinical testing. Allele origin: germline.
Comment: Advanced modeling of protein sequence and biophysical properties (such as structural, functional, and spatial information, amino acid conservation, physicochemical variation, residue mobility, and thermodynamic stability) performed at Invitae indicates that this missense variant is not expected to disrupt RAD51C protein function. This sequence change replaces aspartic acid, which is acidic and polar, with glutamic acid, which is acidic and polar, at codon 171 of the RAD51C protein (p.Asp171Glu). This variant is not present in population databases (gnomAD no frequency). This variant has not been reported in the literature in individuals affected with RAD51C-related conditions. ClinVar contains an entry for this variant (Variation ID: 659781). In summary, the available evidence is currently insufficient to determine the role of this variant in disease. Therefore, it has been classified as a Variant of Uncertain Significance.